The following is an entry in ClinVar:

ClinVar aggregate classification (germline): Uncertain significance (1 of 4 stars; one submission).

Conditions:
Diamond-Blackfan anemia 10 (DBA10). Also called: RPS26-Related Diamond-Blackfan Anemia. Identifiers: Orphanet 124, MedGen C2750080, MONDO:0013217, OMIM 613309.

Submission:

Labcorp Genetics (formerly Invitae), Labcorp
Classification: Uncertain significance for Diamond-Blackfan anemia 10. Last evaluated: 2025-07-02. Review status: criteria provided, single submitter. Criteria: Invitae Variant Classification Sherloc (09022015). Collection method: clinical testing. Allele origin: germline.
Comment: This sequence change replaces cysteine, which is neutral and slightly polar, with serine, which is neutral and polar, at codon 26 of the RPS26 protein (p.Cys26Ser). This variant is not present in population databases (gnomAD no frequency). This missense change has been observed in individual(s) with Diamond-Blackfan anemia (PMID: 29044489). An algorithm developed to predict the effect of missense changes on protein structure and function (PolyPhen-2) suggests that this variant is likely to be disruptive. In summary, the available evidence is currently insufficient to determine the role of this variant in disease. Therefore, it has been classified as a Variant of Uncertain Significance.

Literature cited by the submitters: PubMed 29044489.

NM_001029.5(RPS26):c.77G>C (p.Cys26Ser)

Gene: RPS26 (ribosomal protein S26; plus strand). Cytogenetic location: 12q13.2.
Variant type: single nucleotide variant.
Coding change: c.77G>C on transcript NM_001029.5 (MANE Select); coding-DNA position 77, G replaced by C.
Protein change: p.Cys26Ser; replaces cysteine 26 with serine.
Molecular consequence: missense variant.
Genome position (GRCh38, 1-based): chr12:56,042,498, G>C. VCF-style: chr12-56042498-G-C. GRCh37 (hg19) VCF-style: chr12-56436282-G-C.
Other names: short protein forms C26S.
Identifiers: ClinVar variation 4737634 (VCV004737634.1).